The following is an entry in ClinVar:

NM_000135.4(FANCA):c.459G>A (p.Gln153=)

Gene: FANCA (FA complementation group A; minus strand). Cytogenetic location: 16q24.3.
Variant type: single nucleotide variant.
Coding change: c.459G>A on transcript NM_000135.4 (MANE Select); coding-DNA position 459, G replaced by A.
Protein change: p.Gln153=; no amino-acid change (glutamine 153 retained).
Molecular consequence: synonymous variant. On other transcripts: intron variant (1).
Genome position (GRCh38, 1-based): chr16:89,810,770, C>T on the plus strand (G>A on the coding strand, the complement: FANCA is on the minus strand). VCF-style: chr16-89810770-C-T. GRCh37 (hg19) VCF-style: chr16-89877178-C-T.
Other names: c.459G>A, p.Gln153= (NM_001018112.3, NM_001286167.3); c.426+159G>A (NM_001351830.2); c.459G>A (NM_000135.2).
Identifiers: ClinVar variation 1673791 (VCV001673791.33), dbSNP rs2040846276, ClinGen allele CA497379710.

ClinVar aggregate classification (germline): Likely benign. Review status: criteria provided, multiple submitters, no conflicts (2 of 4 stars). 3 submissions from 3 submitters: Likely benign (3). Last evaluated 2025-01-06.

Conditions:
Inborn genetic diseases. Identifiers: MedGen C0950123, MeSH D030342.
Fanconi anemia (FA). Also called: Fanconi's anemia. Identifiers: Orphanet 84, MedGen C0015625, MeSH D005199, MONDO:0019391.

Allele frequency attached by ClinVar (database versions not stated): gnomAD exomes below 0.00001.
gnomAD v4.1: 1 of 1,613,742 alleles (0.000062%); highest among the groups gnomAD compares: Non-Finnish European, 0.000085%; no homozygotes.

Submissions (3):

Ambry Genetics
Classification: Likely benign for Inborn genetic diseases. Last evaluated: 2025-01-06. Review status: criteria provided, single submitter. Criteria: Ambry Variant Classification Scheme 2023. Collection method: clinical testing. Allele origin: germline.

CeGaT Center for Human Genetics Tuebingen
Classification: Likely benign. Last evaluated: 2022-08-01. Review status: criteria provided, single submitter. Criteria: CeGaT Center For Human Genetics Tuebingen Variant Classification Criteria Version 2. Collection method: clinical testing. Allele origin: germline. Affected: yes. Observed: 1 variant allele.
Comment: FANCA: PM2:Supporting, BP4, BP7

Labcorp Genetics (formerly Invitae), Labcorp
Classification: Likely benign for Fanconi anemia. Last evaluated: 2022-04-27. Review status: criteria provided, single submitter. Criteria: Invitae Variant Classification Sherloc (09022015). Collection method: clinical testing. Allele origin: germline.